The following is an entry in ClinVar:

ClinVar aggregate classification (germline): Benign/Likely benign. Review status: criteria provided, multiple submitters, no conflicts (2 of 4 stars). 5 submissions from 5 submitters: Benign (2); Likely benign (2). 1 of the submissions does not count toward it. Last evaluated 2026-07-01.

Conditions:
Inborn genetic diseases. Identifiers: MedGen C0950123, MeSH D030342.

Allele frequency attached by ClinVar (database versions not stated): TOPMed 0.00057; gnomAD 0.00059 and 0.00074; gnomAD exomes 0.00061 and 0.00139; ExAC 0.00151; 1000 Genomes Project 30x 0.00281; 1000 Genomes Project 0.00319.
gnomAD v4.1: 1,015 of 1,613,888 alleles (0.063%); highest among the groups gnomAD compares: East Asian, 1.2%; 9 homozygotes.

Submissions (5):

CeGaT Center for Human Genetics Tuebingen
Classification: Likely benign. Last evaluated: 2026-07-01. Review status: criteria provided, single submitter. Criteria: CeGaT Center For Human Genetics Tuebingen Variant Classification Criteria Version 2. Collection method: clinical testing. Allele origin: germline. Affected: yes. Observed: 2 variant alleles.
Comment: FOXP1: BP4, BS1

Labcorp Genetics (formerly Invitae), Labcorp
Classification: Benign. Last evaluated: 2026-01-21. Review status: criteria provided, single submitter. Criteria: Invitae Variant Classification Sherloc (09022015). Collection method: clinical testing. Allele origin: germline.

GeneDx
Classification: Likely benign. Last evaluated: 2019-10-31. Review status: criteria provided, single submitter. Criteria: GeneDx Variant Classification Process June 2021. Collection method: clinical testing. Allele origin: germline. Affected: yes.

Ambry Genetics
Classification: Benign for Inborn genetic diseases. Last evaluated: 2016-07-14. Review status: criteria provided, single submitter. Criteria: Ambry Variant Classification Scheme 2023. Collection method: clinical testing. Allele origin: germline.

Genetic Services Laboratory, University of Chicago
Classification: Likely benign for AllHighlyPenetrant. Review status: no assertion criteria provided. Collection method: clinical testing. Allele origin: germline. Inheritance: Autosomal dominant inheritance. Not counted in ClinVar's aggregate classification.
Comment: Likely benign based on allele frequency in 1000 Genomes Project or ESP global frequency and its presence in a patient with a rare or unrelated disease phenotype. NOT Sanger confirmed.

NM_001349338.3(FOXP1):c.1890-5T>C

Gene: FOXP1 (forkhead box P1; minus strand). Cytogenetic location: 3p13.
Variant type: single nucleotide variant.
Coding change: c.1890-5T>C on transcript NM_001349338.3 (MANE Select); 5 bases into the intron before coding-DNA position 1890, T replaced by C.
Molecular consequence: intron variant.
Genome position (GRCh38, 1-based): chr3:70,959,396, A>G on the plus strand (T>C on the coding strand, the complement: FOXP1 is on the minus strand). VCF-style: chr3-70959396-A-G. GRCh37 (hg19) VCF-style: chr3-71008547-A-G.
Other names: c.1938-5T>C (NM_001244810.2); c.1890-5T>C (NM_032682.6, NM_001349340.3, NM_001244816.2 and 1 more transcripts); c.1887-5T>C (NM_001349341.3, NM_001244808.3); c.1662-5T>C (NM_001244812.3); c.1587-5T>C (NM_001349343.3, NM_001349337.2, NM_001370548.1 and 1 more transcripts); c.1590-5T>C (NM_001349342.3, NM_001244815.2, NM_001244813.3).
Identifiers: ClinVar variation 129108 (VCV000129108.24), dbSNP rs187666567, ClinGen allele CA152902.
Genomic context (GRCh38, chr3:70,959,396, plus strand): 5'-GGGGCCCTTCAGCTTCCTCTGGATCGAGGGGCTCTTCTTTGACGTGTACAGGATGCCTGG[A>G]AAAAATATGCAGAGGTTCAGTGAGGGTACTTCCCAGCCCATTGCAGCTCAGGTGCACTGA-3'